The following is an entry in ClinVar:

NM_006214.4(PHYH):c.412G>T (p.Glu138Ter)

Gene: PHYH (phytanoyl-CoA 2-hydroxylase; minus strand). Cytogenetic location: 10p13.
Variant type: single nucleotide variant.
Coding change: c.412G>T on transcript NM_006214.4 (MANE Select); coding-DNA position 412, G replaced by T.
Protein change: p.Glu138Ter; replaces glutamic acid 138 with a stop codon.
Molecular consequence: nonsense.
Genome position (GRCh38, 1-based): chr10:13,294,430, C>A on the plus strand (G>T on the coding strand, the complement: PHYH is on the minus strand). VCF-style: chr10-13294430-C-A. GRCh37 (hg19) VCF-style: chr10-13336430-C-A.
Other names: c.112G>T, p.Glu38Ter (NM_001037537.2, NM_001323080.2, NM_001323084.2); c.412G>T, p.Glu138Ter (NM_001323082.2, NM_001323083.2); short protein forms E38*, E138*.
Identifiers: ClinVar variation 2806346 (VCV002806346.3), dbSNP rs938466163, ClinGen allele CA376036830.

ClinVar aggregate classification (germline): Pathogenic (1 of 4 stars; one submission).

Submission:

Labcorp Genetics (formerly Invitae), Labcorp
Classification: Pathogenic. Last evaluated: 2023-03-28. Review status: criteria provided, single submitter. Criteria: Invitae Variant Classification Sherloc (09022015). Collection method: clinical testing. Allele origin: germline.
Comment: This variant has not been reported in the literature in individuals affected with PHYH-related conditions. This variant is not present in population databases (gnomAD no frequency). This sequence change creates a premature translational stop signal (p.Glu138*) in the PHYH gene. It is expected to result in an absent or disrupted protein product. Loss-of-function variants in PHYH are known to be pathogenic (PMID: 9326940, 14974078). For these reasons, this variant has been classified as Pathogenic.

Literature cited by the submitters: PubMed 9326940; PubMed 14974078.